The following is an entry in ClinVar:

ClinVar aggregate classification (germline): Uncertain significance. Review status: criteria provided, multiple submitters, no conflicts (2 of 4 stars). 2 submissions from 2 submitters: Uncertain significance (2). Last evaluated 2025-10-22.

Conditions:
GPBAR1-related disorder. Also called: GPBAR1-related condition.

Allele frequency attached by ClinVar (database versions not stated): gnomAD 0.00001; TOPMed 0.00004.

Submissions (2):

Ambry Genetics
Classification: Uncertain significance. Last evaluated: 2025-10-22. Review status: criteria provided, single submitter. Criteria: Ambry Variant Classification Scheme 2023. Collection method: clinical testing. Allele origin: germline.

PreventionGenetics, part of Exact Sciences
Classification: Uncertain significance for GPBAR1-related condition. Last evaluated: 2022-08-23. Review status: criteria provided, single submitter. Criteria: ACMG Guidelines, 2015. Collection method: clinical testing. Allele origin: germline.
Comment: The GPBAR1 c.922C>T variant is predicted to result in the amino acid substitution p.Arg308Trp. To our knowledge, this variant has not been reported in the literature. This variant is reported in 0.0065% of alleles in individuals of South Asian descent in gnomAD. At this time, the clinical significance of this variant is uncertain due to the absence of conclusive functional and genetic evidence.

NM_170699.3(GPBAR1):c.922C>T (p.Arg308Trp)

Gene: GPBAR1 (G protein-coupled bile acid receptor 1; plus strand). Cytogenetic location: 2q35.
Variant type: single nucleotide variant.
Coding change: c.922C>T on transcript NM_170699.3 (MANE Select); coding-DNA position 922, C replaced by T.
Protein change: p.Arg308Trp; replaces arginine 308 with tryptophan.
Molecular consequence: missense variant.
Genome position (GRCh38, 1-based): chr2:218,263,646, C>T. VCF-style: chr2-218263646-C-T. GRCh37 (hg19) VCF-style: chr2-219128369-C-T.
Other names: c.922C>T, p.Arg308Trp (NM_001077191.2, NM_001077194.2, NM_001321950.2); c.922C>T (NM_001077191.1); short protein forms R308W.
Identifiers: ClinVar variation 2636116 (VCV002636116.2), dbSNP rs201236854, ClinGen allele CA2102725.